The following is an entry in ClinVar:

NM_147127.5(EVC2):c.3637_3638insTT (p.Trp1213fs)

Gene: EVC2 (EvC ciliary complex subunit 2; minus strand). Cytogenetic location: 4p16.2.
Variant type: Insertion.
Coding change: c.3637_3638insTT on transcript NM_147127.5 (MANE Select); coding-DNA positions 3637 to 3638, TT inserted.
Protein change: p.Trp1213fs; shifts the reading frame from tryptophan 1213.
Molecular consequence: frameshift variant.
Genome position: GRCh38 VCF-style: chr4-5565279-C-CAA. GRCh37 (hg19) VCF-style: chr4-5567006-C-CAA.
Other names: c.3397_3398insTT, p.Trp1133fs (NM_001166136.2); short protein forms W1133fs, W1213fs.
Identifiers: ClinVar variation 2947369 (VCV002947369.3), dbSNP rs1396804493, ClinGen allele CA549394919.
Genomic context (GRCh38, chr4:5,565,279, plus strand): 5'-ACCCCCTCCCCAGCCACATGAGCAGGTGCCCATCATTACCTCTGCTTTCTCTTGCGGGCC[C>CAA]ACAGCATCTTTTCTAATCCTCTGCTTATCAGATCTCCTCGCAGTTTGCCATCTAAGGCTT-3'

ClinVar aggregate classification (germline): Pathogenic (1 of 4 stars; one submission).

Conditions:
Curry-Hall syndrome (WAD). Also called: WEYERS ACRODENTAL DYSOSTOSIS. Identifiers: Orphanet 952, MedGen C0457013, MONDO:0008673, OMIM 193530.
Ellis-van Creveld syndrome (EVC). Also called: EVC-Related Ellis-van Creveld Syndrome; EVC2-Related Ellis-van Creveld Syndrome; MESOECTODERMAL DYSPLASIA; Chondroectodermal dysplasia. Identifiers: Orphanet 289, MedGen C0013903, MONDO:0009162, OMIM 225500.

Submission:

Labcorp Genetics (formerly Invitae), Labcorp
Classification: Pathogenic for Curry-Hall syndrome; Ellis-van Creveld syndrome. Last evaluated: 2023-05-01. Review status: criteria provided, single submitter. Criteria: Invitae Variant Classification Sherloc (09022015). Collection method: clinical testing. Allele origin: germline.
Comment: This sequence change creates a premature translational stop signal (p.Trp1213Phefs*11) in the EVC2 gene. While this is not anticipated to result in nonsense mediated decay, it is expected to disrupt the last 96 amino acid(s) of the EVC2 protein. For these reasons, this variant has been classified as Pathogenic. This variant disrupts a region of the EVC2 protein in which other variant(s) (p.Ser1220Argfs*3) have been determined to be pathogenic (PMID: 12571802, 17024374, 19810119, 23220543). This suggests that this is a clinically significant region of the protein, and that variants that disrupt it are likely to be disease-causing. This variant has not been reported in the literature in individuals affected with EVC2-related conditions. This variant is present in population databases (no rsID available, gnomAD 0.003%).

Literature cited by the submitters: PubMed 12571802; PubMed 17024374; PubMed 19810119; PubMed 23220543.